The following is an entry in ClinVar:

NM_001001331.4(ATP2B2):c.656-10C>G

Gene: ATP2B2 (ATPase plasma membrane Ca2+ transporting 2; minus strand). Cytogenetic location: 3p25.3.
Variant type: single nucleotide variant.
Coding change: c.656-10C>G on transcript NM_001001331.4 (MANE Select); 10 bases into the intron before coding-DNA position 656, C replaced by G.
Molecular consequence: intron variant.
Genome position (GRCh38, 1-based): chr3:10,401,088, G>C on the plus strand (C>G on the coding strand, the complement: ATP2B2 is on the minus strand). VCF-style: chr3-10401088-G-C. GRCh37 (hg19) VCF-style: chr3-10442772-G-C.
Other names: c.656-10C>G (NM_001683.3, NM_001353564.1, NM_001683.5 and 2 more transcripts).
Identifiers: ClinVar variation 2059555 (VCV002059555.6), dbSNP rs368929622, ClinGen allele CA2253955.

ClinVar aggregate classification (germline): Benign/Likely benign. Review status: criteria provided, multiple submitters, no conflicts (2 of 4 stars). 3 submissions from 3 submitters: Benign (1); Likely benign (2). Last evaluated 2026-06-18.

Conditions:
ATP2B2-related disorder. Also called: ATP2B2-related condition.

Allele frequency attached by ClinVar (database versions not stated): gnomAD exomes 0.00003; 1000 Genomes Project 30x 0.00016; ExAC 0.00018; 1000 Genomes Project 0.00020; gnomAD 0.00050; ESP Exome Variant Server 0.00054; TOPMed 0.00057.
gnomAD v4.1: 127 of 1,613,732 alleles (0.0079%); highest among the groups gnomAD compares: African/African-American, 0.15%; no homozygotes.

Submissions (3):

Women's Health and Genetics/Laboratory Corporation of America, LabCorp
Classification: Likely benign. Last evaluated: 2026-06-18. Review status: criteria provided, single submitter. Criteria: LabCorp Variant Classification Summary - May 2015. Collection method: clinical testing. Allele origin: germline.

Labcorp Genetics (formerly Invitae), Labcorp
Classification: Benign. Last evaluated: 2025-12-30. Review status: criteria provided, single submitter. Criteria: Invitae Variant Classification Sherloc (09022015). Collection method: clinical testing. Allele origin: germline.

PreventionGenetics, part of Exact Sciences
Classification: Likely benign for ATP2B2-related condition. Last evaluated: 2025-03-27. Review status: criteria provided, single submitter. Criteria: ACMG Guidelines, 2015. Collection method: clinical testing. Allele origin: germline.
Comment: This variant is classified as likely benign based on ACMG/AMP sequence variant interpretation guidelines (Richards et al. 2015 PMID: 25741868, with internal and published modifications).